The following is an entry in ClinVar:

ClinVar aggregate classification (germline): Pathogenic (1 of 4 stars; one submission).

Conditions:
Lafora disease. Also called: Epilepsy progressive myoclonic 2; Progressive Myoclonus Epilepsy, Lafora Type. Identifiers: Orphanet 501, MedGen C0751783, MONDO:0009697.

Submission:

Labcorp Genetics (formerly Invitae), Labcorp
Classification: Pathogenic for Lafora disease. Last evaluated: 2024-10-31. Review status: criteria provided, single submitter. Criteria: Invitae Variant Classification Sherloc (09022015). Collection method: clinical testing. Allele origin: germline.
Comment: This sequence change creates a premature translational stop signal (p.Tyr315Serfs*15) in the NHLRC1 gene. While this is not anticipated to result in nonsense mediated decay, it is expected to disrupt the last 81 amino acid(s) of the NHLRC1 protein. This variant is present in population databases (no rsID available, gnomAD 0.0009%). This premature translational stop signal has been observed in individual(s) with Lafora disease (PMID: 20738377). This variant disrupts a region of the NHLRC1 protein in which other variant(s) (p.Lys388Serfs*3) have been determined to be pathogenic (PMID: 20738377). This suggests that this is a clinically significant region of the protein, and that variants that disrupt it are likely to be disease-causing. For these reasons, this variant has been classified as Pathogenic.

Literature cited by the submitters: PubMed 20738377.

NM_198586.3(NHLRC1):c.940_943dup (p.Tyr315fs)

Gene: NHLRC1 (NHL repeat containing E3 ubiquitin protein ligase 1; minus strand). Cytogenetic location: 6p22.3.
Variant type: Microsatellite.
Coding change: c.940_943dup on transcript NM_198586.3 (MANE Select); coding-DNA positions 940 to 943, 4 bases duplicated (CTCT; older notation c.940_943dupCTCT).
Protein change: p.Tyr315fs; shifts the reading frame from tyrosine 315.
Molecular consequence: frameshift variant.
Genome position (GRCh38, 1-based): chr6:18,121,664-18,121,667, AGAG duplicated on the plus strand (CTCT on the coding strand, the reverse complement: NHLRC1 is on the minus strand). VCF-style (leftmost placement, unchanged base first): chr6-18121663-T-TAGAG. GRCh37 (hg19) VCF-style: chr6-18121894-T-TAGAG.
Other names: short protein forms Y315fs.
Identifiers: ClinVar variation 3720675 (VCV003720675.2).